The following is an entry in ClinVar:

NC_000019.10:g.(?_35030801)_(35039721_?)del

Gene: SCN1B (sodium voltage-gated channel beta subunit 1; plus strand). Cytogenetic location: 19q13.11.
Variant type: Deletion.
Identifiers: ClinVar variation 583794 (VCV000583794.2).

ClinVar aggregate classification (germline): Uncertain significance (1 of 4 stars; one submission).

Conditions:
Brugada syndrome 5 (BRGDA5). Identifiers: Orphanet 130, Orphanet 871, MedGen C2748541, MONDO:0013015, OMIM 612838.

Submission:

Labcorp Genetics (formerly Invitae), Labcorp
Classification: Uncertain significance for Brugada syndrome 5. Last evaluated: 2018-07-18. Review status: criteria provided, single submitter. Criteria: Invitae Variant Classification Sherloc (09022015). Collection method: clinical testing. Allele origin: germline.
Comment: A gross deletion of the genomic region encompassing the full coding sequence of the SCN1B gene has been identified. The boundaries of this event are unknown as the deletion extends beyond the assayed region for this gene and therefore may encompass additional genes. This variant has not been reported in the literature in individuals with SCN1B-related disease. The current clinical and genetic evidence is not sufficient to establish whether loss-of-function variants in SCN1B cause disease. In summary, the available evidence is currently insufficient to determine the role of this variant in disease. Therefore, it has been classified as a Variant of Uncertain Significance.